The following is an entry in ClinVar:

ClinVar aggregate classification (germline): Conflicting classifications of pathogenicity. Review status: criteria provided, conflicting classifications (1 of 4 stars). 8 submissions from 8 submitters: Uncertain significance (1); Benign (2); Likely benign (2). 3 of the submissions do not count toward it. Last evaluated 2026-09-01.

Conditions:
Mucopolysaccharidosis, MPS-III-B (MPS3B). Also called: MPS III B; MUCOPOLYSACCHARIDOSIS, TYPE IIIB; MPS IIIB (Sanfilippo Syndrome Type B); N-ACETYL-ALPHA-D-GLUCOSAMINIDASE DEFICIENCY; NAGLU DEFICIENCY; SANFILIPPO SYNDROME B. Identifiers: Orphanet 79270, MedGen C0086648, MONDO:0009656, OMIM 252920.
Charcot-Marie-Tooth disease axonal type 2V. Also called: CHARCOT-MARIE-TOOTH NEUROPATHY, TYPE 2V; CHARCOT-MARIE-TOOTH DISEASE, AXONAL, AUTOSOMAL DOMINANT, TYPE 2V. Identifiers: Orphanet 447964, MedGen C5569050, MONDO:0014665, OMIM 616491.

Allele frequency attached by ClinVar (database versions not stated): 1000 Genomes Project 30x 0.00016; 1000 Genomes Project 0.00020; TOPMed 0.00164; gnomAD exomes 0.00168; gnomAD 0.00177 and 0.00190; ESP Exome Variant Server 0.00208; ExAC 0.00237.
gnomAD v4.1: 4,851 of 1,603,066 alleles (0.3%); highest among the groups gnomAD compares: Non-Finnish European, 0.38%; 13 homozygotes.

Submissions (8):

CeGaT Center for Human Genetics Tuebingen
Classification: Likely benign. Last evaluated: 2026-09-01. Review status: criteria provided, single submitter. Criteria: CeGaT Center For Human Genetics Tuebingen Variant Classification Criteria Version 2. Collection method: clinical testing. Allele origin: germline. Affected: yes. Observed: 12 variant alleles.
Comment: NAGLU: BP4, BP7, BS2

Labcorp Genetics (formerly Invitae), Labcorp
Classification: Benign for Charcot-Marie-Tooth disease axonal type 2V; Mucopolysaccharidosis, MPS-III-B. Last evaluated: 2026-02-03. Review status: criteria provided, single submitter. Criteria: Invitae Variant Classification Sherloc (09022015). Collection method: clinical testing. Allele origin: germline.

Mayo Clinic Laboratories, Mayo Clinic
Classification: Benign. Last evaluated: 2025-02-10. Review status: criteria provided, single submitter. Criteria: ACMG Guidelines, 2015. Collection method: clinical testing. Allele origin: germline. Observed: 8 variant alleles.
Comment: BS1, BS2, BP4, BP7

Blueprint Genetics
Classification: Likely benign. Last evaluated: 2024-11-13. Review status: criteria provided, single submitter. Criteria: ACMG Guidelines, 2015. Collection method: clinical testing. Allele origin: germline.

Illumina Laboratory Services, Illumina
Classification: Uncertain significance for Mucopolysaccharidosis, MPS-III-B. Last evaluated: 2018-01-12. Review status: criteria provided, single submitter. Criteria: ICSL Variant Classification Criteria 13 December 2019. Collection method: clinical testing. Allele origin: germline.

Natera, Inc.
Classification: Benign for Mucopolysaccharidosis type IIIB. Last evaluated: 2020-09-16. Review status: no assertion criteria provided. Collection method: clinical testing. Allele origin: germline. Not counted in ClinVar's aggregate classification.

Clinical Genetics, Academic Medical Center
Classification: Benign. Review status: no assertion criteria provided. Collection method: clinical testing. Allele origin: germline. Affected: yes. Study: VKGL Data-share Consensus. Not counted in ClinVar's aggregate classification.

Genome Diagnostics Laboratory, University Medical Center Utrecht
Classification: Likely benign. Review status: no assertion criteria provided. Collection method: clinical testing. Allele origin: germline. Affected: yes. Study: VKGL Data-share Consensus. Not counted in ClinVar's aggregate classification.

NM_000263.4(NAGLU):c.1860C>T (p.Ser620=)

Gene: NAGLU (N-acetyl-alpha-glucosaminidase; plus strand). Cytogenetic location: 17q21.2.
Variant type: single nucleotide variant.
Coding change: c.1860C>T on transcript NM_000263.4 (MANE Select); coding-DNA position 1860, C replaced by T.
Protein change: p.Ser620=; no amino-acid change (serine 620 retained).
Molecular consequence: synonymous variant.
Genome position (GRCh38, 1-based): chr17:42,543,866, C>T. VCF-style: chr17-42543866-C-T. GRCh37 (hg19) VCF-style: chr17-40695884-C-T.
Other names: p.Ser620=.
Identifiers: ClinVar variation 323304 (VCV000323304.44), dbSNP rs151013014, ClinGen allele CA8577108.